The following is an entry in ClinVar:

NM_000092.5(COL4A4):c.4784T>C (p.Leu1595Pro)

Gene: COL4A4 (collagen type IV alpha 4 chain; minus strand). Cytogenetic location: 2q36.3.
Variant type: single nucleotide variant.
Coding change: c.4784T>C on transcript NM_000092.5 (MANE Select); coding-DNA position 4784, T replaced by C.
Protein change: p.Leu1595Pro; replaces leucine 1595 with proline.
Molecular consequence: missense variant.
Genome position (GRCh38, 1-based): chr2:227,008,043, A>G on the plus strand (T>C on the coding strand, the complement: COL4A4 is on the minus strand). VCF-style: chr2-227008043-A-G. GRCh37 (hg19) VCF-style: chr2-227872759-A-G.
Other names: short protein forms L1595P.
Identifiers: ClinVar variation 2849242 (VCV002849242.4), dbSNP rs1962556093, ClinGen allele CA351140485.
Genomic context (GRCh38, chr2:227,008,043, plus strand): 5'-GAATGAGCCAGGGTTTTCAAGGGCACGGGACTCACCATCAGGAATGAATACCCGATCCAG[A>G]GGCTCCTCCAGGTCTGCGGACATGGGGGGATGGACTGGTCCTGGCTGTGCACCGCCACCG-3'
Protein context (NP_000083.3, residues 1585-1605): IPPCPQTWRS[Leu1595Pro]WIGYSFLMHT

ClinVar aggregate classification (germline): Uncertain significance. Review status: criteria provided, multiple submitters, no conflicts (2 of 4 stars). 2 submissions from 2 submitters: Uncertain significance (2). Last evaluated 2025-11-22.

Conditions:
Inborn genetic diseases. Identifiers: MedGen C0950123, MeSH D030342.

Submissions (2):

Labcorp Genetics (formerly Invitae), Labcorp
Classification: Uncertain significance. Last evaluated: 2025-11-22. Review status: criteria provided, single submitter. Criteria: Invitae Variant Classification Sherloc (09022015). Collection method: clinical testing. Allele origin: germline.
Comment: This sequence change replaces leucine, which is neutral and non-polar, with proline, which is neutral and non-polar, at codon 1595 of the COL4A4 protein (p.Leu1595Pro). This variant is not present in population databases (gnomAD no frequency). This missense change has been observed in individual(s) with COL4A4-related conditions (internal data). It has also been observed to segregate with disease in related individuals. ClinVar contains an entry for this variant (Variation ID: 2849242). Invitae Evidence Modeling of protein sequence and biophysical properties (such as structural, functional, and spatial information, amino acid conservation, physicochemical variation, residue mobility, and thermodynamic stability) has been performed for this missense variant. However, the output from this modeling did not meet the statistical confidence thresholds required to predict the impact of this variant on COL4A4 protein function. In summary, the available evidence is currently insufficient to determine the role of this variant in disease. Therefore, it has been classified as a Variant of Uncertain Significance.

Ambry Genetics
Classification: Uncertain significance for Inborn genetic diseases. Last evaluated: 2025-08-09. Review status: criteria provided, single submitter. Criteria: Ambry Variant Classification Scheme 2023. Collection method: clinical testing. Allele origin: germline.